The following is an entry in ClinVar:

ClinVar aggregate classification (germline): Likely pathogenic (3 of 4 stars; one submission).

Conditions:
Glycogen storage disease, type II (IOPD). Also called: CARDIOMEGALIA GLYCOGENICA DIFFUSA; GLYCOGENOSIS, GENERALIZED, CARDIAC FORM; GSD II; POMPE DISEASE, INFANTILE-ONSET; GLYCOGEN STORAGE DISEASE II, INFANTILE-ONSET; ACID ALPHA-GLUCOSIDASE DEFICIENCY, INFANTILE-ONSET. Identifiers: Orphanet 365, MedGen C0017921, MONDO:0009290, OMIM 232300.

Submissions (3):

ClinGen Lysosomal Storage Disorder Variant Curation Expert Panel
Classification: Likely pathogenic for Glycogen storage disease, type II. Last evaluated: 2026-01-27. Review status: reviewed by expert panel. Criteria: clingen_lsd_acmg_specifications_v2-1. Collection method: curation. Allele origin: germline. Inheritance: Autosomal recessive inheritance.
Comment: The NM_000152.5:c.1754+2T>G variant in GAA occurs within the canonical splice donor site of intron 12. It is predicted to cause skipping of biologically-relevant-exon 12/20, resulting in a frameshift leading to nonsense mediated decay in a gene in which loss-of-function is an established disease mechanism (PVS1). The variant is absent in gnomAD v4.1.0, meeting PM2_Supporting. There is a variant c.1754+2T>A at the same nucleotide position with same predicted impact classified as pathogenic for Pompe disease by the ClinGen Lysosomal Diseases VCEP (Variation ID: 2736680) (PS1_Supporting). There is a ClinVar entry for this variant (Variation ID: 1687091) with no data submitted for germline classification. GAA-specific ACMG/AMP criteria met, as specified by the ClinGen Lysosomal Diseases Variant Curation Expert Panel (Specifications Version 2.0): PVS1, PM2_Supporting, PS1_Supporting. While this variant meets the criteria to be classified as pathogenic for Pompe disease, the classification has been downgraded to likely pathogenic due to lack of any reports on an affected individuals with this variant or any functional or RT-PCR data. (Classification approved by the ClinGen Lysosomal Diseases Variant Curation Expert Panel on January 27, 2026)

Dr. Peter K. Rogan Lab, Western University
No classification provided (evidence only). Condition: Papillary renal cell carcinoma type 1. Review status: no classification provided. Collection method: in vitro. Allele origin: not applicable. Functional consequence: skipped exon, retained intron. Not counted in ClinVar's aggregate classification.

MutSpliceDB: a database of splice sites variants effects on splicing, NIH
No classification provided (evidence only). Review status: no classification provided. Collection method: in vivo. Allele origin: not applicable. Functional consequence: retained intron. Not counted in ClinVar's aggregate classification.

NM_000152.5(GAA):c.1754+2T>G

Gene: GAA (alpha glucosidase; plus strand). Cytogenetic location: 17q25.3.
Variant type: single nucleotide variant.
Coding change: c.1754+2T>G on transcript NM_000152.5 (MANE Select); the canonical splice donor site of the intron after coding-DNA position 1754, T replaced by G.
Molecular consequence: splice donor variant.
Genome position (GRCh38, 1-based): chr17:80,112,102, T>G. VCF-style: chr17-80112102-T-G. GRCh37 (hg19) VCF-style: chr17-78085901-T-G.
Other names: NM_000152.5:c.1754+2T>G; NC_000017.10:g.78085901T>G; c.1754+2T>G (NM_001406741.1, NM_001406742.1, NM_001079803.3 and 1 more transcripts).
Identifiers: ClinVar variation 1687091 (VCV001687091.4), dbSNP rs2143884018, ClinGen allele CA401369204.